The following is an entry in ClinVar:

NM_007078.3(LDB3):c.1857+3A>G

Gene: LDB3 (LIM domain binding 3; plus strand). Cytogenetic location: 10q23.2.
Variant type: single nucleotide variant.
Coding change: c.1857+3A>G on transcript NM_007078.3 (MANE Select); 3 bases into the intron after coding-DNA position 1857, A replaced by G.
Molecular consequence: intron variant.
Genome position (GRCh38, 1-based): chr10:86,718,147, A>G. VCF-style: chr10-86718147-A-G. GRCh37 (hg19) VCF-style: chr10-88477904-A-G.
Other names: c.1668+3A>G (NM_001368064.1, NM_001368065.1); c.1872+3A>G (NM_001171610.2); c.1716+3A>G (NM_001368066.1); c.1527+3A>G (NM_001080114.2).
Identifiers: ClinVar variation 967875 (VCV000967875.1), dbSNP rs367942602, ClinGen allele CA5585237.

ClinVar aggregate classification (germline): Uncertain significance (1 of 4 stars; one submission).

Conditions:
Myofibrillar myopathy 4. Also called: Zaspopathy (type). Identifiers: Orphanet 98912, MedGen C4721886, MONDO:0012277, OMIM 609452.

Allele frequency attached by ClinVar (database versions not stated): gnomAD exomes below 0.00001; TOPMed below 0.00001; ExAC 0.00001; gnomAD 0.00001; ESP Exome Variant Server 0.00008.
gnomAD v4.1: 1 of 1,613,494 alleles (0.000062%); highest among the groups gnomAD compares: Non-Finnish European, 0.000085%; no homozygotes.

Submission:

Labcorp Genetics (formerly Invitae), Labcorp
Classification: Uncertain significance for Late-onset distal myopathy Markesbery Griggs type. Last evaluated: 2019-12-31. Review status: criteria provided, single submitter. Criteria: Invitae Variant Classification Sherloc (09022015). Collection method: clinical testing. Allele origin: germline.
Comment: This sequence change falls in intron 10 of the LDB3 gene. It does not directly change the encoded amino acid sequence of the LDB3 protein, but it affects a nucleotide within the consensus splice site of the intron. The LDB3 gene has multiple clinically relevant transcripts. This variant occurs in alternate transcript NM_007078.2, and corresponds to NM_001080116.1:c.*18773A>G in the primary transcript. This variant is present in population databases (rs367942602, ExAC 0.001%). This variant has not been reported in the literature in individuals with LDB3-related conditions. Algorithms developed to predict the effect of sequence changes on RNA splicing suggest that this variant is not likely to affect RNA splicing, but this prediction has not been confirmed by published transcriptional studies. In summary, the available evidence is currently insufficient to determine the role of this variant in disease. Therefore, it has been classified as a Variant of Uncertain Significance.